The following is an entry in ClinVar:

NM_001378120.1(MBD5):c.1340G>A (p.Gly447Glu)

Gene: MBD5 (methyl-CpG binding domain protein 5; plus strand). Cytogenetic location: 2q23.1.
Variant type: single nucleotide variant.
Coding change: c.1340G>A on transcript NM_001378120.1 (MANE Select); coding-DNA position 1340, G replaced by A.
Protein change: p.Gly447Glu; replaces glycine 447 with glutamic acid.
Molecular consequence: missense variant.
Genome position (GRCh38, 1-based): chr2:148,469,283, G>A. VCF-style: chr2-148469283-G-A. GRCh37 (hg19) VCF-style: chr2-149226852-G-A.
Other names: c.1340G>A, p.Gly447Glu (NM_001438854.1, NM_001438855.1, NM_001438856.1 and 7 more transcripts); short protein forms G447E.
Identifiers: ClinVar variation 4526159 (VCV004526159.1).
Genomic context (GRCh38, chr2:148,469,283, plus strand): 5'-AGCATTCAGCTTCAACCTCCCTGTCCCCTTCTCCAGTGACATCCCCCGTGCACATGATGG[G>A]GACTGGAATTGGAAGGATTGAGGCATCGCCCCAAAGATCACGCTCATCTTCCACATCATC-3'
Protein context (NP_001365049.1, residues 437-457): SPVTSPVHMM[Gly447Glu]TGIGRIEASP

ClinVar aggregate classification (germline): Uncertain significance (1 of 4 stars; one submission).

gnomAD v4.1: 1 of 1,613,844 alleles (0.000062%); no homozygotes.

Submission:

Women's Health and Genetics/Laboratory Corporation of America, LabCorp
Classification: Uncertain significance. Last evaluated: 2025-07-28. Review status: criteria provided, single submitter. Criteria: LabCorp Variant Classification Summary - May 2015. Collection method: clinical testing. Allele origin: germline.
Comment: Variant summary: MBD5 c.1340G>A (p.Gly447Glu) results in a non-conservative amino acid change in the encoded protein sequence. Algorithms developed to predict the effect of missense changes on protein structure and function are either unavailable or do not agree on the potential impact of this missense change. The variant was absent in 249916 control chromosomes. The available data on variant occurrences in the general population are insufficient to allow any conclusion about variant significance. To our knowledge, no occurrence of c.1340G>A in individuals affected with MBD5 Associated Neurodevelopmental Disorder and no experimental evidence demonstrating its impact on protein function have been reported. No submitters have cited clinical-significance assessments for this variant to ClinVar. Based on the evidence outlined above, the variant was classified as uncertain significance.